The following is an entry in ClinVar:

ClinVar aggregate classification (germline): Likely pathogenic (1 of 4 stars; one submission).

Conditions:
Klippel-Feil anomaly-myopathy-facial dysmorphism syndrome. Also called: Klippel-Feil syndrome 4, autosomal recessive, with myopathy and facial dysmorphism; Klippel-feil syndrome 4, autosomal recessive, with nemaline myopathy and facial dysmorphism. Identifiers: Orphanet 447974, MedGen C4225285, MONDO:0014689, OMIM 616549.

Submission:

3billion
Classification: Likely pathogenic for Klippel-Feil anomaly-myopathy-facial dysmorphism syndrome. Last evaluated: 2021-10-02. Review status: criteria provided, single submitter. Criteria: ACMG Guidelines, 2015. Collection method: clinical testing. Allele origin: paternal. Affected: yes. Observed: 1 heterozygote.
Comment: Stop-lost: predicted to change the length of the protein and disrupt normal protein function (PM4). It is not observed in the gnomAD v2.1.1 dataset (PM2). In silico tool predictions suggest damaging effect of the variant on gene or gene product (REVEL: 0.843, 3Cnet: 0.995, PP3). Therefore, this variant is classified as likely pathogenic according to the recommendation of ACMG/AMP guideline.

NM_032608.7(MYO18B):c.7702T>G (p.Ter2568Glu)

Gene: MYO18B (myosin XVIIIB; plus strand). Cytogenetic location: 22q12.1.
Variant type: single nucleotide variant.
Coding change: c.7702T>G on transcript NM_032608.7 (MANE Select); coding-DNA position 7702, T replaced by G.
Protein change: p.Ter2568Glu.
Molecular consequence: stop lost.
Genome position (GRCh38, 1-based): chr22:26,027,676, T>G. VCF-style: chr22-26027676-T-G. GRCh37 (hg19) VCF-style: chr22-26423642-T-G.
Other names: c.7705T>G, p.Ter2569Glu (NM_001318245.2).
Identifiers: ClinVar variation 1320170 (VCV001320170.1), dbSNP rs773577293, ClinGen allele CA411013379.